The following is an entry in ClinVar:

NM_022897.5(RANBP17):c.272A>G (p.Asn91Ser)

Gene: RANBP17 (RAN binding protein 17; plus strand). Cytogenetic location: 5q35.1.
Variant type: single nucleotide variant.
Coding change: c.272A>G on transcript NM_022897.5 (MANE Select); coding-DNA position 272, A replaced by G.
Protein change: p.Asn91Ser; replaces asparagine 91 with serine.
Molecular consequence: missense variant.
Genome position (GRCh38, 1-based): chr5:170,892,402, A>G. VCF-style: chr5-170892402-A-G. GRCh37 (hg19) VCF-style: chr5-170319406-A-G.
Other names: short protein forms N91S.
Identifiers: ClinVar variation 3052022 (VCV003052022.2), dbSNP rs141535602, ClinGen allele CA3557051.

ClinVar aggregate classification (germline): Likely benign (0 of 4 stars; one submission).

Conditions:
RANBP17-related disorder. Also called: RANBP17-related condition.

Allele frequency attached by ClinVar (database versions not stated): gnomAD exomes 0.00007; ExAC 0.00025; 1000 Genomes Project 0.00040; 1000 Genomes Project 30x 0.00047; ESP Exome Variant Server 0.00054; gnomAD 0.00072; TOPMed 0.00083.
gnomAD v4.1: 207 of 1,609,896 alleles (0.013%); highest among the groups gnomAD compares: African/African-American, 0.26%; no homozygotes.

Submission:

PreventionGenetics, part of Exact Sciences
Classification: Likely benign for RANBP17-related condition. Last evaluated: 2023-05-22. Review status: no assertion criteria provided. Collection method: clinical testing. Allele origin: germline.
Comment: This variant is classified as likely benign based on ACMG/AMP sequence variant interpretation guidelines (Richards et al. 2015 PMID: 25741868, with internal and published modifications).